The following is an entry in ClinVar:

NM_001377.3(DYNC2H1):c.7385C>T (p.Ser2462Phe)

Gene: DYNC2H1 (dynein cytoplasmic 2 heavy chain 1; plus strand). Cytogenetic location: 11q22.3.
Variant type: single nucleotide variant.
Coding change: c.7385C>T on transcript NM_001377.3 (MANE Select); coding-DNA position 7385, C replaced by T.
Protein change: p.Ser2462Phe; replaces serine 2462 with phenylalanine.
Molecular consequence: missense variant.
Genome position (GRCh38, 1-based): chr11:103,189,764, C>T. VCF-style: chr11-103189764-C-T. GRCh37 (hg19) VCF-style: chr11-103060493-C-T.
Other names: c.7385C>T, p.Ser2462Phe (NM_001080463.2); c.7385C>T (NM_001080463.1); short protein forms S2462F.
Identifiers: ClinVar variation 1437916 (VCV001437916.9), dbSNP rs770346645, ClinGen allele CA6254225.

ClinVar aggregate classification (germline): Uncertain significance. Review status: criteria provided, multiple submitters, no conflicts (2 of 4 stars). 2 submissions from 2 submitters: Uncertain significance (2). Last evaluated 2023-04-07.

Conditions:
Inborn genetic diseases. Identifiers: MedGen C0950123, MeSH D030342.
Jeune thoracic dystrophy. Also called: Short-rib thoracic dysplasia; Jeune syndrome; Infantile thoracic dystrophy; Thoracic pelvic phalangeal dystrophy; Jeune's syndrome; Chondroectodermal dysplasia-like syndrome. Identifiers: Orphanet 474, MedGen C0265275, MONDO:0018770.

Allele frequency attached by ClinVar (database versions not stated): gnomAD exomes below 0.00001; ExAC 0.00001; TOPMed 0.00002; gnomAD 0.00003.
gnomAD v4.1: 4 of 1,611,548 alleles (0.00025%); highest among the groups gnomAD compares: African/African-American, 0.0053%; no homozygotes.

Submissions (2):

Ambry Genetics
Classification: Uncertain significance for Inborn genetic diseases. Last evaluated: 2023-04-07. Review status: criteria provided, single submitter. Criteria: Ambry Variant Classification Scheme 2023. Collection method: clinical testing. Allele origin: germline.

Labcorp Genetics (formerly Invitae), Labcorp
Classification: Uncertain significance for Jeune thoracic dystrophy. Last evaluated: 2022-08-31. Review status: criteria provided, single submitter. Criteria: Invitae Variant Classification Sherloc (09022015). Collection method: clinical testing. Allele origin: germline.
Comment: This sequence change replaces serine, which is neutral and polar, with phenylalanine, which is neutral and non-polar, at codon 2462 of the DYNC2H1 protein (p.Ser2462Phe). Advanced modeling of protein sequence and biophysical properties (such as structural, functional, and spatial information, amino acid conservation, physicochemical variation, residue mobility, and thermodynamic stability) performed at Invitae indicates that this missense variant is not expected to disrupt DYNC2H1 protein function. In summary, the available evidence is currently insufficient to determine the role of this variant in disease. Therefore, it has been classified as a Variant of Uncertain Significance. This variant is present in population databases (rs770346645, gnomAD 0.007%). This variant has not been reported in the literature in individuals affected with DYNC2H1-related conditions. ClinVar contains an entry for this variant (Variation ID: 1437916).